The following is an entry in ClinVar:

NM_001735.3(C5):c.1866+6G>A

Gene: C5 (complement C5; minus strand). Cytogenetic location: 9q33.2.
Variant type: single nucleotide variant.
Coding change: c.1866+6G>A on transcript NM_001735.3 (MANE Select); 6 bases into the intron after coding-DNA position 1866, G replaced by A.
Molecular consequence: intron variant.
Genome position (GRCh38, 1-based): chr9:121,017,356, C>T on the plus strand (G>A on the coding strand, the complement: C5 is on the minus strand). VCF-style: chr9-121017356-C-T. GRCh37 (hg19) VCF-style: chr9-123779634-C-T.
Other names: c.1884+6G>A (NM_001317163.2); c.1866+6G>A (NM_001317164.2).
Identifiers: ClinVar variation 1345406 (VCV001345406.6), dbSNP rs2131761000, ClinGen allele CA2573143942.

ClinVar aggregate classification (germline): Uncertain significance (1 of 4 stars; one submission).

Submission:

Labcorp Genetics (formerly Invitae), Labcorp
Classification: Uncertain significance. Last evaluated: 2020-11-18. Review status: criteria provided, single submitter. Criteria: Invitae Variant Classification Sherloc (09022015). Collection method: clinical testing. Allele origin: germline.
Comment: Nucleotide substitutions within the consensus splice site are a relatively common cause of aberrant splicing (PMID: 17576681, 9536098). Algorithms developed to predict the effect of sequence changes on RNA splicing suggest that this variant is not likely to affect RNA splicing, but this prediction has not been confirmed by published transcriptional studies. This variant has not been reported in the literature in individuals with C5-related conditions. This variant is not present in population databases (ExAC no frequency). This sequence change falls in intron 14 of the C5 gene. It does not directly change the encoded amino acid sequence of the C5 protein. It affects a nucleotide within the consensus splice site of the intron. In summary, the available evidence is currently insufficient to determine the role of this variant in disease. Therefore, it has been classified as a Variant of Uncertain Significance.

Literature cited by the submitters: PubMed 17576681; PubMed 9536098.